The following is an entry in ClinVar:

NM_006206.6(PDGFRA):c.2128T>G (p.Leu710Val)

Gene: PDGFRA (platelet derived growth factor receptor alpha; plus strand). Cytogenetic location: 4q12.
Variant type: single nucleotide variant.
Coding change: c.2128T>G on transcript NM_006206.6 (MANE Select); coding-DNA position 2128, T replaced by G.
Protein change: p.Leu710Val; replaces leucine 710 with valine.
Molecular consequence: missense variant.
Genome position (GRCh38, 1-based): chr4:54,278,487, T>G. VCF-style: chr4-54278487-T-G. GRCh37 (hg19) VCF-style: chr4-55144654-T-G.
Other names: c.2128T>G, p.Leu710Val (NM_001347827.2, NM_001347829.2); c.2203T>G, p.Leu735Val (NM_001347828.2); c.2167T>G, p.Leu723Val (NM_001347830.2); short protein forms L710V, L723V, L735V.
Identifiers: ClinVar variation 851734 (VCV000851734.11), dbSNP rs1723881410, ClinGen allele CA356894111.

ClinVar aggregate classification (germline): Uncertain significance. Review status: criteria provided, multiple submitters, no conflicts (2 of 4 stars). 2 submissions from 2 submitters: Uncertain significance (2). Last evaluated 2024-12-02.

Conditions:
Gastrointestinal stromal tumor. Also called: Gastrointestinal stromal tumor, somatic; Gastrointestinal stroma tumor. Identifiers: Orphanet 44890, MedGen C0238198, MeSH D046152, MONDO:0011719, OMIM 606764, HP:0100723.
Hereditary cancer-predisposing syndrome. Also called: Neoplastic Syndromes, Hereditary; Tumor predisposition; Hereditary Cancer Syndrome; Hereditary neoplastic syndrome. Identifiers: Orphanet 140162, MedGen C0027672, MeSH D009386, MONDO:0015356.

Submissions (2):

Labcorp Genetics (formerly Invitae), Labcorp
Classification: Uncertain significance for Gastrointestinal stromal tumor. Last evaluated: 2024-12-02. Review status: criteria provided, single submitter. Criteria: Invitae Variant Classification Sherloc (09022015). Collection method: clinical testing. Allele origin: germline.
Comment: This sequence change replaces leucine, which is neutral and non-polar, with valine, which is neutral and non-polar, at codon 710 of the PDGFRA protein (p.Leu710Val). This variant is not present in population databases (gnomAD no frequency). This variant has not been reported in the literature in individuals affected with PDGFRA-related conditions. ClinVar contains an entry for this variant (Variation ID: 851734). An algorithm developed to predict the effect of missense changes on protein structure and function (PolyPhen-2) suggests that this variant is likely to be tolerated. In summary, the available evidence is currently insufficient to determine the role of this variant in disease. Therefore, it has been classified as a Variant of Uncertain Significance.

Ambry Genetics
Classification: Uncertain significance for Hereditary cancer-predisposing syndrome. Last evaluated: 2024-09-01. Review status: criteria provided, single submitter. Criteria: Ambry Variant Classification Scheme 2023. Collection method: clinical testing. Allele origin: germline.
Comment: The p.L710V variant (also known as c.2128T>G), located in coding exon 14 of the PDGFRA gene, results from a T to G substitution at nucleotide position 2128. The leucine at codon 710 is replaced by valine, an amino acid with highly similar properties. This amino acid position is conserved. In addition, this alteration is predicted to be tolerated by in silico analysis. Based on the available evidence, the clinical significance of this variant remains unclear.